The following is an entry in ClinVar:

NM_001145358.2(SIN3A):c.-34G>C

Gene: SIN3A (SIN3 transcription regulator family member A; minus strand). Cytogenetic location: 15q24.2.
Variant type: single nucleotide variant.
Coding change: c.-34G>C on transcript NM_001145358.2 (MANE Select); 34 bases upstream of the start codon, G replaced by C.
Molecular consequence: 5 prime UTR variant. On other transcripts: intron variant (2).
Genome position (GRCh38, 1-based): chr15:75,451,423, C>G on the plus strand (G>C on the coding strand, the complement: SIN3A is on the minus strand). VCF-style: chr15-75451423-C-G. GRCh37 (hg19) VCF-style: chr15-75743764-C-G.
Other names: c.-132G>C (NM_001437462.1); c.-97G>C (NM_015477.3); c.-34+4365G>C (NM_001437463.1); c.-34+4212G>C (NM_001145357.2).
Identifiers: ClinVar variation 4856630 (VCV004856630.1).

ClinVar aggregate classification (germline): Uncertain significance (1 of 4 stars; one submission).

Conditions:
SIN3A-related intellectual disability syndrome due to a point mutation. Also called: 15q24 Microdeletion Syndrome; WITTEVEEN-KOLK SYNDROME. Identifiers: Orphanet 500166, Orphanet 94065, MedGen C4310804, MONDO:0044700, OMIM 613406.

Submission:

Ozbek Human Genetics Laboratory, Izmir Biomedicine and Genome Center
Classification: Uncertain significance for SIN3A-related intellectual disability syndrome due to a point mutation. Last evaluated: 2025-06-10. Review status: criteria provided, single submitter. Criteria: ACMG Guidelines, 2015. Collection method: research. Allele origin: germline. Affected: yes. Observed: 1 variant allele, 1 heterozygote.
Comment: A heterozygous splice region variant was detected in exon 1 of the SIN3A gene (NM_001145358.2). This variant is very rarely observed in population databases (PM2). In silico algorithms (AlphaMissense, Revel) predict this variant has a damaging effect at the protein level (PP3). Based on this information, this variant is classified as a Variant of Uncertain Significance (VUS) according to ACMG criteria. The SIN3A gene is associated with "Witteveen-Kolk syndrome, AD" in the OMIM database. It is thought that this syndrome can explain the clinical findings observed in the patient. Data obtained via the RAREBOOST project (Horizon 2020 ERA Chairs at Izmir Biomedicine and Genome Center - IBG)